The following is an entry in ClinVar:

NM_003060.4(SLC22A5):c.338G>A (p.Cys113Tyr)

Gene: SLC22A5 (solute carrier family 22 member 5; plus strand). Cytogenetic location: 5q31.1.
Variant type: single nucleotide variant.
Coding change: c.338G>A on transcript NM_003060.4 (MANE Select); coding-DNA position 338, G replaced by A.
Protein change: p.Cys113Tyr; replaces cysteine 113 with tyrosine.
Molecular consequence: missense variant.
Genome position (GRCh38, 1-based): chr5:132,370,310, G>A. VCF-style: chr5-132370310-G-A. GRCh37 (hg19) VCF-style: chr5-131706002-G-A.
Other names: c.338G>A, p.Cys113Tyr (NM_001308122.2); short protein forms C113Y.
Identifiers: ClinVar variation 167696 (VCV000167696.30), dbSNP rs727504159, ClinGen allele CA234950.

ClinVar aggregate classification (germline): Pathogenic/Likely pathogenic. Review status: criteria provided, multiple submitters, no conflicts (2 of 4 stars). 10 submissions from 10 submitters: Pathogenic (6); Likely pathogenic (1). 3 of the submissions do not count toward it. Last evaluated 2025-03-12.

Conditions:
Carnitine deficiency. Identifiers: MedGen C1142132.
Renal carnitine transport defect (CDSP). Also called: CARNITINE DEFICIENCY, SYSTEMIC, DUE TO DEFECT IN RENAL REABSORPTION OF CARNITINE; CARNITINE TRANSPORTER, PLASMA-MEMBRANE, DEFICIENCY OF; CARNITINE UPTAKE DEFECT; Systemic primary carnitine deficiency; Systemic primary carnitine deficiency disease; Carnitine transporter deficiency. Identifiers: Orphanet 158, MedGen C0342788, MONDO:0008919, OMIM 212140.

Allele frequency attached by ClinVar (database versions not stated): gnomAD exomes below 0.00001 and 0.00001; ExAC 0.00001; gnomAD 0.00001.
gnomAD v4.1: 4 of 1,611,524 alleles (0.00025%); highest among the groups gnomAD compares: East Asian, 0.0089%; no homozygotes.

Submissions (10):

Natera, Inc.
Classification: Pathogenic for Carnitine deficiency. Last evaluated: 2025-03-12. Review status: criteria provided, single submitter. Criteria: Natera Variant Classification Schema (03/2026). Collection method: clinical testing. Allele origin: germline.
Comment: The c.338G>A variant in SLC22A5 is a missense variant predicted to cause substitution of cysteine to tyrosine at amino acid 113. This variant is rare in the general population with a frequency below the threshold expected for the associated phenotype(s). This variant has been observed in one or more individuals affected with the associated recessive disease, as either homozygous or compound heterozygous with a second variant (PMID: 25132046). Computational prediction algorithms indicate this variant is likely to affect gene or protein function. Given the available evidence, this variant is classified as Pathogenic.

Labcorp Genetics (formerly Invitae), Labcorp
Classification: Pathogenic for Renal carnitine transport defect. Last evaluated: 2025-01-01. Review status: criteria provided, single submitter. Criteria: Invitae Variant Classification Sherloc (09022015). Collection method: clinical testing. Allele origin: germline.
Comment: This sequence change replaces cysteine, which is neutral and slightly polar, with tyrosine, which is neutral and polar, at codon 113 of the SLC22A5 protein (p.Cys113Tyr). This variant is present in population databases (rs727504159, gnomAD 0.02%). This missense change has been observed in individual(s) with primary carnitine deficiency (PMID: 25132046, 25224063). In at least one individual the data is consistent with being in trans (on the opposite chromosome) from a pathogenic variant. ClinVar contains an entry for this variant (Variation ID: 167696). Invitae Evidence Modeling of protein sequence and biophysical properties (such as structural, functional, and spatial information, amino acid conservation, physicochemical variation, residue mobility, and thermodynamic stability) indicates that this missense variant is expected to disrupt SLC22A5 protein function with a positive predictive value of 95%. For these reasons, this variant has been classified as Pathogenic.

Fulgent Genetics
Classification: Pathogenic for Renal carnitine transport defect. Last evaluated: 2024-04-08. Review status: criteria provided, single submitter. Criteria: ACMG Guidelines, 2015. Collection method: clinical testing. Allele origin: germline.

Women's Health and Genetics/Laboratory Corporation of America, LabCorp
Classification: Pathogenic for Renal carnitine transport defect. Last evaluated: 2023-06-26. Review status: criteria provided, single submitter. Criteria: LabCorp Variant Classification Summary - May 2015. Collection method: clinical testing. Allele origin: germline.
Comment: Variant summary: SLC22A5 c.338G>A (p.Cys113Tyr) results in a non-conservative amino acid change in the encoded protein sequence. Five of five in-silico tools predict a damaging effect of the variant on protein function. The variant allele was found at a frequency of 1.3e-05 in 239782 control chromosomes. c.338G>A has been reported in the literature as biallelic genotypes in multiple individuals affected with Systemic Primary Carnitine Deficiency (example, Han_2014, Tan_2021, Zhang_2019). These data indicate that the variant is very likely to be associated with disease. To our knowledge, no experimental evidence demonstrating an impact on protein function has been reported. The following publications have been ascertained in the context of this evaluation (PMID: 25132046, 34394177, 31364285). Five submitters have cited clinical-significance assessments for this variant to ClinVar after 2014 (P/LP, n=4; VUS, n=1). Based on the evidence outlined above, the variant was classified as pathogenic.

Genome-Nilou Lab
Classification: Likely pathogenic for Renal carnitine transport defect. Last evaluated: 2021-07-15. Review status: criteria provided, single submitter. Criteria: ACMG Guidelines, 2015. Collection method: clinical testing. Allele origin: germline. Affected: no.

Eurofins Ntd Llc (ga)
Classification: Pathogenic. Last evaluated: 2014-01-10. Review status: criteria provided, single submitter. Criteria: EGL Classification Definitions 2015. Collection method: clinical testing. Allele origin: germline. Observed: 1 variant allele, 1 heterozygote.

Juno Genomics, Hangzhou Juno Genomics, Inc
Classification: Pathogenic for Renal carnitine transport defect. Review status: criteria provided, single submitter. Criteria: ACMG Guidelines, 2015. Collection method: clinical testing. Allele origin: germline.
Comment: Absent from controls (or at extremely low frequency if recessive) in Genome Aggregation Database.;Multiple lines of computational evidence support a deleterious effect on the gene or gene product.;For recessive disorders, detected in trans with a pathogenic variant.;Patient's phenotype or family history is highly specific for a disease with a single genetic etiology.

Department of Reproductive Genetics, International Peace Maternity and Child Health Hospital, Shanghai Jiao Tong University School of Medicine
Classification: Pathogenic for Carnitine deficiency, systemic primary. Last evaluated: 2025-05-01. Review status: no assertion criteria provided. Collection method: clinical testing. Allele origin: inherited. Affected: yes. Not counted in ClinVar's aggregate classification.
Comment: The NM_003060.4(SLC22A5):c.338G>A variant causes a missense change involving the alteration of a conserved nucleotide. This variant has been reported in the literature as biallelic genotypes in multiple individuals affected with Systemic Primary Carnitine Deficiency (PMID:39248612,38961493,36755623,25132046), so this variant has been classified as Pathogenic.

Counsyl
Classification: Likely pathogenic for Renal carnitine transport defect. Last evaluated: 2016-07-29. Review status: no assertion criteria provided. Collection method: clinical testing. Allele origin: unknown. Not counted in ClinVar's aggregate classification.

Giacomini Lab, University of California, San Francisco
Classification: Uncertain significance for Renal carnitine transport defect. Last evaluated: 2022-10-03. Review status: flagged submission. Criteria: ACMG Guidelines, 2015. Collection method: research, in vitro. Allele origin: germline, not applicable. Not counted in ClinVar's aggregate classification.
ClinVar note: Reason: Outlier claim with insufficient supporting evidence

Literature cited by the submitters: PubMed 25132046 (cited by 5 submitters); PubMed 25224063 (cited by Labcorp Genetics (formerly Invitae), Labcorp); PubMed 34394177 (cited by Women's Health and Genetics/Laboratory Corporation of America, LabCorp); PubMed 31364285 (cited by Women's Health and Genetics/Laboratory Corporation of America, LabCorp); PubMed 39248612 (cited by Department of Reproductive Genetics, International Peace Maternity and Child Health Hospital, Shanghai Jiao Tong University School of Medicine); PubMed 38961493 (cited by Department of Reproductive Genetics, International Peace Maternity and Child Health Hospital, Shanghai Jiao Tong University School of Medicine); PubMed 36755623 (cited by Department of Reproductive Genetics, International Peace Maternity and Child Health Hospital, Shanghai Jiao Tong University School of Medicine); PubMed 24746540 (cited by Counsyl).